The following is an entry in ClinVar:

ClinVar aggregate classification (germline): Conflicting classifications of pathogenicity. Review status: criteria provided, conflicting classifications (1 of 4 stars). 6 submissions from 6 submitters: Uncertain significance (1); Likely benign (4). 1 of the submissions does not count toward it. Last evaluated 2025-12-19.

Conditions:
Hennekam lymphangiectasia-lymphedema syndrome 1 (HKLLS1). Also called: LYMPHATIC DYSPLASIA, GENERALIZED. Identifiers: Orphanet 2136, MedGen C4012050, MONDO:0009337, OMIM 235510.
CCBE1-related disorder. Also called: CCBE1-related condition.

Allele frequency attached by ClinVar (database versions not stated): gnomAD 0.00013; gnomAD exomes 0.00017 and 0.00020; ExAC 0.00018; 1000 Genomes Project 0.00020; TOPMed 0.00022; 1000 Genomes Project 30x 0.00031; ESP Exome Variant Server 0.00031.

Submissions (6):

Labcorp Genetics (formerly Invitae), Labcorp
Classification: Likely benign. Last evaluated: 2025-12-19. Review status: criteria provided, single submitter. Criteria: Invitae Variant Classification Sherloc (09022015). Collection method: clinical testing. Allele origin: germline.

Blueprint Genetics
Classification: Likely benign. Last evaluated: 2024-10-16. Review status: criteria provided, single submitter. Criteria: ACMG Guidelines, 2015. Collection method: clinical testing. Allele origin: germline.

CeGaT Center for Human Genetics Tuebingen
Classification: Likely benign. Last evaluated: 2024-07-01. Review status: criteria provided, single submitter. Criteria: CeGaT Center For Human Genetics Tuebingen Variant Classification Criteria Version 2. Collection method: clinical testing. Allele origin: germline. Affected: yes. Observed: 1 variant allele.
Comment: CCBE1: BP4, BP7

ARUP Laboratories, Molecular Genetics and Genomics, ARUP Laboratories
Classification: Likely benign for Hennekam lymphangiectasia-lymphedema syndrome 1. Last evaluated: 2020-01-16. Review status: criteria provided, single submitter. Criteria: ARUP Molecular Germline Variant Investigation Process. Collection method: clinical testing. Allele origin: germline.

Illumina Laboratory Services, Illumina
Classification: Uncertain significance for Hennekam lymphangiectasia-lymphedema syndrome 1. Last evaluated: 2018-01-13. Review status: criteria provided, single submitter. Criteria: ICSL Variant Classification Criteria 13 December 2019. Collection method: clinical testing. Allele origin: germline.

PreventionGenetics, part of Exact Sciences
Classification: Likely benign for CCBE1-related condition. Last evaluated: 2019-07-15. Review status: no assertion criteria provided. Collection method: clinical testing. Allele origin: germline. Not counted in ClinVar's aggregate classification.
Comment: This variant is classified as likely benign based on ACMG/AMP sequence variant interpretation guidelines (Richards et al. 2015 PMID: 25741868, with internal and published modifications).

NM_133459.4(CCBE1):c.843A>T (p.Pro281=)

Gene: CCBE1 (collagen and calcium binding EGF domains 1; minus strand). Cytogenetic location: 18q21.32.
Variant type: single nucleotide variant.
Coding change: c.843A>T on transcript NM_133459.4 (MANE Select); coding-DNA position 843, A replaced by T.
Protein change: p.Pro281=; no amino-acid change (proline 281 retained).
Molecular consequence: synonymous variant.
Genome position (GRCh38, 1-based): chr18:59,439,749, T>A on the plus strand (A>T on the coding strand, the complement: CCBE1 is on the minus strand). VCF-style: chr18-59439749-T-A. GRCh37 (hg19) VCF-style: chr18-57106981-T-A.
Identifiers: ClinVar variation 735571 (VCV000735571.39), dbSNP rs191592668, ClinGen allele CA8980316.
Genomic context (GRCh38, chr18:59,439,749, plus strand): 5'-CCGGCCTTGCTTAATGTGGGACAGATCAGGAGATGGTCCCATGGGTCCCATTGAGCCCCG[T>A]GGGCCGGGCTGCCCAGGAGGGCCTGGCATACCGGGGAAGCCTGGGCTTCCCTTTGGTCCT-3'
Protein context (NP_597716.1, residues 271-291): GMPGPPGQPG[Pro281=]RGSMGPMGPS